The following is an entry in ClinVar:

ClinVar aggregate classification (germline): Uncertain significance. Review status: criteria provided, multiple submitters, no conflicts (2 of 4 stars). 2 submissions from 2 submitters: Uncertain significance (2). Last evaluated 2025-12-13.

Conditions:
Inborn genetic diseases. Identifiers: MedGen C0950123, MeSH D030342.

Submissions (2):

Labcorp Genetics (formerly Invitae), Labcorp
Classification: Uncertain significance. Last evaluated: 2025-12-13. Review status: criteria provided, single submitter. Criteria: Invitae Variant Classification Sherloc (09022015). Collection method: clinical testing. Allele origin: germline.
Comment: This sequence change replaces proline, which is neutral and non-polar, with serine, which is neutral and polar, at codon 340 of the CLTC protein (p.Pro340Ser). This variant is not present in population databases (gnomAD no frequency). This variant has not been reported in the literature in individuals affected with CLTC-related conditions. ClinVar contains an entry for this variant (Variation ID: 3493987). Invitae Evidence Modeling of protein sequence and biophysical properties (such as structural, functional, and spatial information, amino acid conservation, physicochemical variation, residue mobility, and thermodynamic stability) indicates that this missense variant is not expected to disrupt CLTC protein function with a negative predictive value of 80%. In summary, the available evidence is currently insufficient to determine the role of this variant in disease. Therefore, it has been classified as a Variant of Uncertain Significance.

Ambry Genetics
Classification: Uncertain significance for Inborn genetic diseases. Last evaluated: 2024-11-13. Review status: criteria provided, single submitter. Criteria: Ambry Variant Classification Scheme 2023. Collection method: clinical testing. Allele origin: germline.

NM_004859.4(CLTC):c.1006C>T (p.Pro336Ser)

Gene: CLTC (clathrin heavy chain; plus strand). Cytogenetic location: 17q23.1.
Variant type: single nucleotide variant.
Coding change: c.1006C>T on transcript NM_004859.4 (MANE Select); coding-DNA position 1006, C replaced by T.
Protein change: p.Pro336Ser; replaces proline 336 with serine.
Molecular consequence: missense variant.
Genome position (GRCh38, 1-based): chr17:59,660,427, C>T. VCF-style: chr17-59660427-C-T. GRCh37 (hg19) VCF-style: chr17-57737788-C-T.
Other names: c.1018C>T, p.Pro340Ser (NM_001288653.2); short protein forms P340S, P336S.
Identifiers: ClinVar variation 3493987 (VCV003493987.3).